The following is an entry in ClinVar:

ClinVar aggregate classification (germline): Uncertain significance (1 of 4 stars; one submission).

Conditions:
Aortic aneurysm, familial thoracic 7 (AAT7). Also called: AORTIC DISSECTION, FAMILIAL, WITH OR WITHOUT AORTIC ANEURYSM. Identifiers: MedGen C3151077, MONDO:0013418, OMIM 613780.

Submission:

Labcorp Genetics (formerly Invitae), Labcorp
Classification: Uncertain significance for Aortic aneurysm, familial thoracic 7. Last evaluated: 2025-05-30. Review status: criteria provided, single submitter. Criteria: Invitae Variant Classification Sherloc (09022015). Collection method: clinical testing. Allele origin: germline.
Comment: This sequence change replaces glutamic acid, which is acidic and polar, with alanine, which is neutral and non-polar, at codon 1194 of the MYLK protein (p.Glu1194Ala). This variant is not present in population databases (gnomAD no frequency). This variant has not been reported in the literature in individuals affected with MYLK-related conditions. Invitae Evidence Modeling of protein sequence and biophysical properties (such as structural, functional, and spatial information, amino acid conservation, physicochemical variation, residue mobility, and thermodynamic stability) indicates that this missense variant is not expected to disrupt MYLK protein function with a negative predictive value of 80%. In summary, the available evidence is currently insufficient to determine the role of this variant in disease. Therefore, it has been classified as a Variant of Uncertain Significance.

NM_053025.4(MYLK):c.3581A>C (p.Glu1194Ala)

Gene: MYLK (myosin light chain kinase; minus strand). Cytogenetic location: 3q21.1.
Variant type: single nucleotide variant.
Coding change: c.3581A>C on transcript NM_053025.4 (MANE Select); coding-DNA position 3581, A replaced by C.
Protein change: p.Glu1194Ala; replaces glutamic acid 1194 with alanine.
Molecular consequence: missense variant.
Genome position (GRCh38, 1-based): chr3:123,682,295, T>G on the plus strand (A>C on the coding strand, the complement: MYLK is on the minus strand). VCF-style: chr3-123682295-T-G. GRCh37 (hg19) VCF-style: chr3-123401142-T-G.
Other names: c.3053A>C, p.Glu1018Ala (NM_001321309.2); c.3374A>C, p.Glu1125Ala (NM_053026.4, NM_053028.4); c.3581A>C, p.Glu1194Ala (NM_053027.4); short protein forms E1125A, E1194A, E1018A.
Identifiers: ClinVar variation 4762432 (VCV004762432.1).